The following is an entry in ClinVar:

NM_015100.4(POGZ):c.875C>G (p.Ser292Cys)

Gene: POGZ (pogo transposable element derived with ZNF domain; minus strand). Cytogenetic location: 1q21.3.
Variant type: single nucleotide variant.
Coding change: c.875C>G on transcript NM_015100.4 (MANE Select); coding-DNA position 875, C replaced by G.
Protein change: p.Ser292Cys; replaces serine 292 with cysteine.
Molecular consequence: missense variant. On other transcripts: intron variant (2).
Genome position (GRCh38, 1-based): chr1:151,428,026, G>C on the plus strand (C>G on the coding strand, the complement: POGZ is on the minus strand). VCF-style: chr1-151428026-G-C. GRCh37 (hg19) VCF-style: chr1-151400502-G-C.
Other names: c.590C>G, p.Ser197Cys (NM_145796.4); c.716C>G, p.Ser239Cys (NM_207171.2); c.701-12C>G (NM_001194938.2); c.860-12C>G (NM_001194937.2); short protein forms S197C, S239C, S292C.
Identifiers: ClinVar variation 1307049 (VCV001307049.3), dbSNP rs2102294398, ClinGen allele CA341976866.

ClinVar aggregate classification (germline): Uncertain significance. Review status: criteria provided, multiple submitters, no conflicts (2 of 4 stars). 2 submissions from 2 submitters: Uncertain significance (2). Last evaluated 2025-08-31.

Conditions:
Inborn genetic diseases. Identifiers: MedGen C0950123, MeSH D030342.

Submissions (2):

Ambry Genetics
Classification: Uncertain significance for Inborn genetic diseases. Last evaluated: 2025-08-31. Review status: criteria provided, single submitter. Criteria: Ambry Variant Classification Scheme 2023. Collection method: clinical testing. Allele origin: germline.

GeneDx
Classification: Uncertain significance. Last evaluated: 2019-07-12. Review status: criteria provided, single submitter. Criteria: GeneDx Variant Classification Process June 2021. Collection method: clinical testing. Allele origin: germline. Affected: yes.
Comment: Not observed in large population cohorts (Lek et al., 2016); In silico analysis, which includes protein predictors and evolutionary conservation, supports that this variant does not alter protein structure/function; Has not been previously published as pathogenic or benign to our knowledge